The following is an entry in ClinVar:

ClinVar aggregate classification (germline): Uncertain significance (1 of 4 stars; one submission).

gnomAD v4.1: 1 of 1,611,474 alleles (0.000062%); highest among the groups gnomAD compares: African/African-American, 0.0013%; no homozygotes.

Submission:

Labcorp Genetics (formerly Invitae), Labcorp
Classification: Uncertain significance. Last evaluated: 2026-01-05. Review status: criteria provided, single submitter. Criteria: Invitae Variant Classification Sherloc (09022015). Collection method: clinical testing. Allele origin: germline.
Comment: This sequence change replaces alanine, which is neutral and non-polar, with glycine, which is neutral and non-polar, at codon 812 of the BUB1 protein (p.Ala812Gly). This variant is present in population databases (no rsID available, gnomAD 0.01%). This variant has not been reported in the literature in individuals affected with BUB1-related conditions. Experimental studies and prediction algorithms are not available or were not evaluated, and the functional significance of this variant is currently unknown. Algorithms developed to predict the effect of sequence changes on RNA splicing suggest that this variant may create or strengthen a splice site. In summary, the available evidence is currently insufficient to determine the role of this variant in disease. Therefore, it has been classified as a Variant of Uncertain Significance.

NM_004336.5(BUB1):c.2435C>G (p.Ala812Gly)

Gene: BUB1 (BUB1 mitotic checkpoint serine/threonine kinase; minus strand). Cytogenetic location: 2q13.
Variant type: single nucleotide variant.
Coding change: c.2435C>G on transcript NM_004336.5 (MANE Select); coding-DNA position 2435, C replaced by G.
Protein change: p.Ala812Gly; replaces alanine 812 with glycine.
Molecular consequence: missense variant.
Genome position (GRCh38, 1-based): chr2:110,642,147, G>C on the plus strand (C>G on the coding strand, the complement: BUB1 is on the minus strand). VCF-style: chr2-110642147-G-C. GRCh37 (hg19) VCF-style: chr2-111399724-G-C.
Other names: c.2375C>G, p.Ala792Gly (NM_001278616.2); c.2435C>G, p.Ala812Gly (NM_001278617.2); short protein forms A792G, A812G.
Identifiers: ClinVar variation 4734381 (VCV004734381.1).